The following is an entry in ClinVar:

ClinVar aggregate classification (germline): Uncertain significance (1 of 4 stars; one submission).

Conditions:
ABCC6-related disorder. Also called: ABCC6-related condition.

gnomAD v4.1: 4 of 1,613,752 alleles (0.00025%); highest among the groups gnomAD compares: African/African-American, 0.0027%; no homozygotes.

Submission:

PreventionGenetics, part of Exact Sciences
Classification: Uncertain significance for ABCC6-related condition. Last evaluated: 2026-03-02. Review status: criteria provided, single submitter. Criteria: ACMG Guidelines, 2015. Collection method: clinical testing. Allele origin: germline.
Comment: The ABCC6 c.998+4A>T variant is predicted to interfere with splicing. This variant is predicted to impact splicing by one available splicing algorithm (SpliceAI, Jaganathan et al. 2019. PubMed ID: 30661751). To our knowledge, this variant has not been reported in the literature. This variant is reported in 0.0062% of alleles in individuals of African descent in gnomAD. At this time, the clinical significance of this variant is uncertain due to the absence of conclusive functional and genetic evidence.

NM_001171.6(ABCC6):c.998+4A>T

Gene: ABCC6 (ATP binding cassette subfamily C member 6; minus strand). Cytogenetic location: 16p13.11.
Variant type: single nucleotide variant.
Coding change: c.998+4A>T on transcript NM_001171.6 (MANE Select); 4 bases into the intron after coding-DNA position 998, A replaced by T.
Molecular consequence: intron variant.
Genome position (GRCh38, 1-based): chr16:16,203,406, T>A on the plus strand (A>T on the coding strand, the complement: ABCC6 is on the minus strand). VCF-style: chr16-16203406-T-A. GRCh37 (hg19) VCF-style: chr16-16297263-T-A.
Other names: c.998+4A>T (NM_001440310.1, NM_001440309.1); c.656+4A>T (NM_001351800.1).
Identifiers: ClinVar variation 4987622 (VCV004987622.1).
Genomic context (GRCh38, chr16:16,203,406, plus strand): 5'-GCCCTGGAAGGATGCCACTAAGAGACCACCCACCTTAGCAGGGCACTTGAGGTCTGGGAC[T>A]CACCTGAGCAGCTTGGGGACAGTGAACCTGAAGACATCACTGATGATGAGGCTGAGGGTC-3'